The following is an entry in ClinVar:

ClinVar aggregate classification (germline): Likely benign. Review status: criteria provided, multiple submitters, no conflicts (2 of 4 stars). 2 submissions from 2 submitters: Likely benign (2). Last evaluated 2025-11-20.

Conditions:
Epidermodysplasia verruciformis. Identifiers: Orphanet 302, MedGen C0014522, MONDO:0009176.

gnomAD v4.1: 7 of 1,608,378 alleles (0.00044%); highest among the groups gnomAD compares: Non-Finnish European, 0.00051%; no homozygotes.

Submissions (2):

Labcorp Genetics (formerly Invitae), Labcorp
Classification: Likely benign for Epidermodysplasia verruciformis. Last evaluated: 2025-11-20. Review status: criteria provided, single submitter. Criteria: Invitae Variant Classification Sherloc (09022015). Collection method: clinical testing. Allele origin: germline.

CeGaT Center for Human Genetics Tuebingen
Classification: Likely benign. Last evaluated: 2023-04-01. Review status: criteria provided, single submitter. Criteria: CeGaT Center For Human Genetics Tuebingen Variant Classification Criteria Version 2. Collection method: clinical testing. Allele origin: germline. Affected: yes. Observed: 1 variant allele.
Comment: TMC6: BP4, BP7

NM_001127198.5(TMC6):c.1980C>T (p.Ala660=)

Gene: TMC6 (transmembrane channel like 6; minus strand). Cytogenetic location: 17q25.3.
Variant type: single nucleotide variant.
Coding change: c.1980C>T on transcript NM_001127198.5 (MANE Select); coding-DNA position 1980, C replaced by T.
Protein change: p.Ala660=; no amino-acid change (alanine 660 retained).
Molecular consequence: synonymous variant.
Genome position (GRCh38, 1-based): chr17:78,117,843, G>A on the plus strand (C>T on the coding strand, the complement: TMC6 is on the minus strand). VCF-style: chr17-78117843-G-A. GRCh37 (hg19) VCF-style: chr17-76113924-G-A.
Other names: c.1980C>T, p.Ala660= (NM_001321185.1, NM_001374596.1, NM_001375353.1 and 2 more transcripts); c.1800C>T, p.Ala600= (NM_001374593.1, NM_001374594.1).
Identifiers: ClinVar variation 1102127 (VCV001102127.33), dbSNP rs1019287801, ClinGen allele CA502107825.